The following is an entry in ClinVar:

ClinVar aggregate classification (germline): Uncertain significance (1 of 4 stars; one submission).

Conditions:
Immunodeficiency, common variable, 4. Also called: ANTIBODY DEFICIENCY DUE TO BAFFR DEFECT. Identifiers: Orphanet 1572, Orphanet 696925, MedGen C3150739, MONDO:0013284, OMIM 613494.

Submission:

Labcorp Genetics (formerly Invitae), Labcorp
Classification: Uncertain significance for Immunodeficiency, common variable, 4. Last evaluated: 2024-11-29. Review status: criteria provided, single submitter. Criteria: Invitae Variant Classification Sherloc (09022015). Collection method: clinical testing. Allele origin: germline.
Comment: This sequence change replaces alanine, which is neutral and non-polar, with threonine, which is neutral and polar, at codon 81 of the TNFRSF13C protein (p.Ala81Thr). This variant is not present in population databases (gnomAD no frequency). This variant has not been reported in the literature in individuals affected with TNFRSF13C-related conditions. An algorithm developed to predict the effect of missense changes on protein structure and function (PolyPhen-2) suggests that this variant is likely to be disruptive. In summary, the available evidence is currently insufficient to determine the role of this variant in disease. Therefore, it has been classified as a Variant of Uncertain Significance.

NM_052945.4(TNFRSF13C):c.241G>A (p.Ala81Thr)

Genes: TNFRSF13C (TNF receptor superfamily member 13C; minus strand), LOC130067574 (ATAC-STARR-seq lymphoblastoid silent region 13813; plus strand). Cytogenetic location: 22q13.2.
Variant type: single nucleotide variant.
Coding change: c.241G>A on transcript NM_052945.4 (MANE Select); coding-DNA position 241, G replaced by A.
Protein change: p.Ala81Thr; replaces alanine 81 with threonine.
Molecular consequence: missense variant.
Genome position (GRCh38, 1-based): chr22:41,926,227, C>T on the plus strand (G>A on the coding strand, the complement: TNFRSF13C is on the minus strand). VCF-style: chr22-41926227-C-T. GRCh37 (hg19) VCF-style: chr22-42322231-C-T.
Other names: short protein forms A81T.
Identifiers: ClinVar variation 3678572 (VCV003678572.2).
Genomic context (GRCh38, chr22:41,926,227, plus strand): 5'-AGCTCACCAGACCCACCAGGACCAGCGCCAGGACCAGTGCCAGGCCCAGCAGCGCGGGGG[C>T]GCCAAAGAGCAGCCCGGGCAGGGGCAGCGCCGCCTCGCCGGCCCCCGCGCCCACCGACTC-3'
Protein context (NP_443177.1, residues 71-91): ALPLPGLLFG[Ala81Thr]PALLGLALVL